The following is an entry in ClinVar:

NM_004415.4(DSP):c.8233A>C (p.Ile2745Leu)

Gene: DSP (desmoplakin; plus strand). Cytogenetic location: 6p24.3.
Variant type: single nucleotide variant.
Coding change: c.8233A>C on transcript NM_004415.4 (MANE Select); coding-DNA position 8233, A replaced by C.
Protein change: p.Ile2745Leu; replaces isoleucine 2745 with leucine.
Molecular consequence: missense variant.
Genome position (GRCh38, 1-based): chr6:7,585,495, A>C. VCF-style: chr6-7585495-A-C. GRCh37 (hg19) VCF-style: chr6-7585728-A-C.
Other names: c.6436A>C, p.Ile2146Leu (NM_001008844.3); c.6904A>C, p.Ile2302Leu (NM_001319034.2); short protein forms I2146L, I2302L, I2745L.
Identifiers: ClinVar variation 3748566 (VCV003748566.2).

ClinVar aggregate classification (germline): Uncertain significance (1 of 4 stars; one submission).

Conditions:
Arrhythmogenic cardiomyopathy with wooly hair and keratoderma. Also called: PALMOPLANTAR KERATODERMA WITH LEFT VENTRICULAR CARDIOMYOPATHY AND WOOLLY HAIR; Dilated cardiomyopathy with woolly hair and keratoderma; Carvajal syndrome; Arrhythmogenic cardiomyopathy with woolly hair and keratoderma. Identifiers: Orphanet 65282, MedGen C1854063, MONDO:0011581, OMIM 605676.
Arrhythmogenic right ventricular dysplasia 8 (ARVD8). Also called: Arrhythmogenic Right Ventricular Dysplasia/Cardiomyopathy 8; ARRHYTHMOGENIC RIGHT VENTRICULAR DYSPLASIA, FAMILIAL, 8; ARRHYTHMOGENIC RIGHT VENTRICULAR CARDIOMYOPATHY 8. Identifiers: MedGen C1843896, MONDO:0011831, OMIM 607450.

Submission:

Labcorp Genetics (formerly Invitae), Labcorp
Classification: Uncertain significance for Arrhythmogenic cardiomyopathy with wooly hair and keratoderma; Arrhythmogenic right ventricular dysplasia 8. Last evaluated: 2024-05-21. Review status: criteria provided, single submitter. Criteria: Invitae Variant Classification Sherloc (09022015). Collection method: clinical testing. Allele origin: germline.
Comment: This sequence change replaces isoleucine, which is neutral and non-polar, with leucine, which is neutral and non-polar, at codon 2745 of the DSP protein (p.Ile2745Leu). This variant is not present in population databases (gnomAD no frequency). This variant has not been reported in the literature in individuals affected with DSP-related conditions. An algorithm developed to predict the effect of missense changes on protein structure and function (PolyPhen-2) suggests that this variant is likely to be tolerated. In summary, the available evidence is currently insufficient to determine the role of this variant in disease. Therefore, it has been classified as a Variant of Uncertain Significance.